The following is an entry in ClinVar:

ClinVar aggregate classification (germline): Uncertain significance (1 of 4 stars; one submission).

Conditions:
Periodic fever-infantile enterocolitis-autoinflammatory syndrome. Also called: Autoinflammation with infantile enterocolitis. Identifiers: Orphanet 436166, MedGen C4015067, MONDO:0014472, OMIM 616050.
Familial cold autoinflammatory syndrome 4 (FCAS4). Identifiers: Orphanet 47045, Orphanet 576349, MedGen C4015276, MONDO:0014498, OMIM 616115.

Submission:

Labcorp Genetics (formerly Invitae), Labcorp
Classification: Uncertain significance for Periodic fever-infantile enterocolitis-autoinflammatory syndrome; Familial cold autoinflammatory syndrome 4. Last evaluated: 2025-08-11. Review status: criteria provided, single submitter. Criteria: Invitae Variant Classification Sherloc (09022015). Collection method: clinical testing. Allele origin: germline.
Comment: This sequence change falls in intron 7 of the NLRC4 gene. It does not directly change the encoded amino acid sequence of the NLRC4 protein. It affects a nucleotide within the consensus splice site. This variant is not present in population databases (gnomAD no frequency). This variant has not been reported in the literature in individuals affected with NLRC4-related conditions. Variants that disrupt the consensus splice site are a relatively common cause of aberrant splicing (PMID: 17576681, 9536098). Algorithms developed to predict the effect of sequence changes on RNA splicing suggest that this variant may disrupt the consensus splice site. In summary, the available evidence is currently insufficient to determine the role of this variant in disease. Therefore, it has been classified as a Variant of Uncertain Significance.

Literature cited by the submitters: PubMed 17576681; PubMed 9536098.

NM_001199138.2(NLRC4):c.2614+3A>C

Gene: NLRC4 (NLR family CARD domain containing 4; minus strand). Cytogenetic location: 2p22.3.
Variant type: single nucleotide variant.
Coding change: c.2614+3A>C on transcript NM_001199138.2 (MANE Select); 3 bases into the intron after coding-DNA position 2614, A replaced by C.
Molecular consequence: intron variant.
Genome position (GRCh38, 1-based): chr2:32,236,244, T>G on the plus strand (A>C on the coding strand, the complement: NLRC4 is on the minus strand). VCF-style: chr2-32236244-T-G. GRCh37 (hg19) VCF-style: chr2-32461313-T-G.
Other names: c.619+3A>C (NM_001302504.1); c.2614+3A>C (NM_021209.4, NM_001199139.1).
Identifiers: ClinVar variation 4785851 (VCV004785851.1).